The following is an entry in ClinVar:

ClinVar aggregate classification (germline): Uncertain significance (1 of 4 stars; one submission).

Submission:

GeneDx
Classification: Uncertain significance. Last evaluated: 2023-11-12. Review status: criteria provided, single submitter. Criteria: GeneDx Variant Classification Process June 2021. Collection method: clinical testing. Allele origin: germline. Affected: yes.
Comment: Not observed at significant frequency in large population cohorts (gnomAD); In silico analysis supports that this missense variant has a deleterious effect on protein structure/function; Has not been previously published as pathogenic or benign to our knowledge; This variant is associated with the following publications: (PMID: 25512093, 25609763, 26100331)

NM_001376.5(DYNC1H1):c.2744T>C (p.Leu915Pro)

Gene: DYNC1H1 (dynein cytoplasmic 1 heavy chain 1; plus strand). Cytogenetic location: 14q32.31.
Variant type: single nucleotide variant.
Coding change: c.2744T>C on transcript NM_001376.5 (MANE Select); coding-DNA position 2744, T replaced by C.
Protein change: p.Leu915Pro; replaces leucine 915 with proline.
Molecular consequence: missense variant.
Genome position (GRCh38, 1-based): chr14:101,988,728, T>C. VCF-style: chr14-101988728-T-C. GRCh37 (hg19) VCF-style: chr14-102455065-T-C.
Other names: short protein forms L915P.
Identifiers: ClinVar variation 3364146 (VCV003364146.1).